The following is an entry in ClinVar:

ClinVar aggregate classification (germline): Uncertain significance. Review status: criteria provided, multiple submitters, no conflicts (2 of 4 stars). 2 submissions from 2 submitters: Uncertain significance (2). Last evaluated 2025-07-09.

Conditions:
Colorectal cancer, susceptibility to, 12 (CRCS12). Also called: COLORECTAL CANCER, SUSCEPTIBILITY TO, ON CHROMOSOME 12q24. Identifiers: Orphanet 220460, MedGen C3554460, MONDO:0014038, OMIM 615083.

Allele frequency attached by ClinVar (database versions not stated): gnomAD exomes below 0.00001; TOPMed below 0.00001; gnomAD 0.00001.
gnomAD v4.1: 2 of 1,613,512 alleles (0.00012%); highest among the groups gnomAD compares: Non-Finnish European, 0.00017%; no homozygotes.

Submissions (2):

Labcorp Genetics (formerly Invitae), Labcorp
Classification: Uncertain significance. Last evaluated: 2025-07-09. Review status: criteria provided, single submitter. Criteria: Invitae Variant Classification Sherloc (09022015). Collection method: clinical testing. Allele origin: germline.
Comment: This sequence change replaces cysteine, which is neutral and slightly polar, with arginine, which is basic and polar, at codon 2109 of the POLE protein (p.Cys2109Arg). This variant is not present in population databases (gnomAD no frequency). This variant has not been reported in the literature in individuals affected with POLE-related conditions. ClinVar contains an entry for this variant (Variation ID: 855349). Invitae Evidence Modeling of protein sequence and biophysical properties (such as structural, functional, and spatial information, amino acid conservation, physicochemical variation, residue mobility, and thermodynamic stability) indicates that this missense variant is expected to disrupt POLE protein function with a positive predictive value of 80%. In summary, the available evidence is currently insufficient to determine the role of this variant in disease. Therefore, it has been classified as a Variant of Uncertain Significance.

MGZ Medical Genetics Center
Classification: Uncertain significance for Colorectal cancer, susceptibility to, 12. Last evaluated: 2021-10-06. Review status: criteria provided, single submitter. Criteria: ACMG Guidelines, 2015. Collection method: clinical testing. Allele origin: germline. Affected: yes. Observed: 1 variant allele.
Comment: ACMG criteria applied: PM2_SUP, BP4

NM_006231.4(POLE):c.6325T>C (p.Cys2109Arg)

Gene: POLE (DNA polymerase epsilon, catalytic subunit; minus strand). Cytogenetic location: 12q24.33.
Variant type: single nucleotide variant.
Coding change: c.6325T>C on transcript NM_006231.4 (MANE Select); coding-DNA position 6325, T replaced by C.
Protein change: p.Cys2109Arg; replaces cysteine 2109 with arginine.
Molecular consequence: missense variant.
Genome position (GRCh38, 1-based): chr12:132,632,320, A>G on the plus strand (T>C on the coding strand, the complement: POLE is on the minus strand). VCF-style: chr12-132632320-A-G. GRCh37 (hg19) VCF-style: chr12-133208906-A-G.
Other names: short protein forms C2109R.
Identifiers: ClinVar variation 855349 (VCV000855349.11), dbSNP rs1387352431, ClinGen allele CA387369164.